The following is an entry in ClinVar:

NM_198525.3(KIF7):c.2704C>G (p.Leu902Val)

Gene: KIF7 (kinesin family member 7; minus strand). Cytogenetic location: 15q26.1.
Variant type: single nucleotide variant.
Coding change: c.2704C>G on transcript NM_198525.3 (MANE Select); coding-DNA position 2704, C replaced by G.
Protein change: p.Leu902Val; replaces leucine 902 with valine.
Molecular consequence: missense variant.
Genome position (GRCh38, 1-based): chr15:89,633,155, G>C on the plus strand (C>G on the coding strand, the complement: KIF7 is on the minus strand). VCF-style: chr15-89633155-G-C. GRCh37 (hg19) VCF-style: chr15-90176386-G-C.
Other names: short protein forms L902V.
Identifiers: ClinVar variation 1367154 (VCV001367154.6), dbSNP rs1293379353, ClinGen allele CA393758481.

ClinVar aggregate classification (germline): Uncertain significance (1 of 4 stars; one submission).

Conditions:
Acrocallosal syndrome (ACLS). Also called: HALLUX DUPLICATION, POSTAXIAL POLYDACTYLY, AND ABSENCE OF CORPUS CALLOSUM; Schinzel syndrome 1; Absence of corpus callosum with unusual facial appearance, mental deficiency, duplication of the halluces and polydactyly. Identifiers: Orphanet 36, MedGen C0796147, MONDO:0008708, OMIM 200990.

Submission:

Labcorp Genetics (formerly Invitae), Labcorp
Classification: Uncertain significance for Acrocallosal syndrome. Last evaluated: 2021-09-15. Review status: criteria provided, single submitter. Criteria: Invitae Variant Classification Sherloc (09022015). Collection method: clinical testing. Allele origin: germline.
Comment: In summary, the available evidence is currently insufficient to determine the role of this variant in disease. Therefore, it has been classified as a Variant of Uncertain Significance. Algorithms developed to predict the effect of missense changes on protein structure and function are either unavailable or do not agree on the potential impact of this missense change (SIFT: "Deleterious"; PolyPhen-2: "Probably Damaging"; Align-GVGD: "Class C0"). This variant has not been reported in the literature in individuals affected with KIF7-related conditions. This variant is not present in population databases (ExAC no frequency). This sequence change replaces leucine with valine at codon 902 of the KIF7 protein (p.Leu902Val). The leucine residue is highly conserved and there is a small physicochemical difference between leucine and valine.